The following is an entry in ClinVar:

NM_020988.3(GNAO1):c.723+7041T>C

Gene: GNAO1 (G protein subunit alpha o1; plus strand). Cytogenetic location: 16q13.
Variant type: single nucleotide variant.
Coding change: c.723+7041T>C on transcript NM_020988.3 (MANE Select); 7041 bases into the intron after coding-DNA position 723, T replaced by C.
Molecular consequence: intron variant. On other transcripts: missense variant (1).
Genome position (GRCh38, 1-based): chr16:56,343,901, T>C. VCF-style: chr16-56343901-T-C. GRCh37 (hg19) VCF-style: chr16-56377813-T-C.
Other names: c.1016T>C, p.Val339Ala (NM_138736.3); short protein forms V339A.
Identifiers: ClinVar variation 3349814 (VCV003349814.1).

ClinVar aggregate classification (germline): Uncertain significance (0 of 4 stars; one submission).

Conditions:
GNAO1-related disorder. Also called: GNAO1-related condition; GNAO1-Related Disorders. Identifiers: MedGen CN381308.

gnomAD v4.1: 26 of 1,614,170 alleles (0.0016%); highest among the groups gnomAD compares: Non-Finnish European, 0.002%; no homozygotes.

Submission:

PreventionGenetics, part of Exact Sciences
Classification: Uncertain significance for GNAO1-related condition. Last evaluated: 2024-04-25. Review status: no assertion criteria provided. Collection method: clinical testing. Allele origin: germline.
Comment: The GNAO1 c.1016T>C variant is predicted to result in the amino acid substitution p.Val339Ala. To our knowledge, this variant has not been reported in the literature. This variant is reported in 0.0018% of alleles in individuals of European (Non-Finnish) descent in gnomAD. At this time, the clinical significance of this variant is uncertain due to the absence of conclusive functional and genetic evidence.